The following is an entry in ClinVar:

ClinVar aggregate classification (germline): Uncertain significance (1 of 4 stars; one submission).

Conditions:
Bethlem myopathy 1A. Also called: MYOPATHY, BENIGN CONGENITAL, WITH CONTRACTURES; Bethlem myopathy 1; Bethlem Muscular Dystrophy. Identifiers: Orphanet 610, MedGen CN029274, MONDO:0024530, OMIM 158810.

Submission:

Labcorp Genetics (formerly Invitae), Labcorp
Classification: Uncertain significance for Bethlem myopathy 1A. Last evaluated: 2025-09-23. Review status: criteria provided, single submitter. Criteria: Invitae Variant Classification Sherloc (09022015). Collection method: clinical testing. Allele origin: germline.
Comment: This sequence change replaces asparagine, which is neutral and polar, with serine, which is neutral and polar, at codon 1684 of the COL6A3 protein (p.Asn1684Ser). This variant is not present in population databases (gnomAD no frequency). This variant has not been reported in the literature in individuals affected with COL6A3-related conditions. Invitae Evidence Modeling of protein sequence and biophysical properties (such as structural, functional, and spatial information, amino acid conservation, physicochemical variation, residue mobility, and thermodynamic stability) indicates that this missense variant is not expected to disrupt COL6A3 protein function with a negative predictive value of 80%. In summary, the available evidence is currently insufficient to determine the role of this variant in disease. Therefore, it has been classified as a Variant of Uncertain Significance.

NM_004369.4(COL6A3):c.5051A>G (p.Asn1684Ser)

Gene: COL6A3 (collagen type VI alpha 3 chain; minus strand). Cytogenetic location: 2q37.3.
Variant type: single nucleotide variant.
Coding change: c.5051A>G on transcript NM_004369.4 (MANE Select); coding-DNA position 5051, A replaced by G.
Protein change: p.Asn1684Ser; replaces asparagine 1684 with serine.
Molecular consequence: missense variant.
Genome position (GRCh38, 1-based): chr2:237,367,136, T>C on the plus strand (A>G on the coding strand, the complement: COL6A3 is on the minus strand). VCF-style: chr2-237367136-T-C. GRCh37 (hg19) VCF-style: chr2-238275779-T-C.
Other names: c.3230A>G, p.Asn1077Ser (NM_057166.5); c.4433A>G, p.Asn1478Ser (NM_057167.4); short protein forms N1077S, N1478S, N1684S.
Identifiers: ClinVar variation 4692807 (VCV004692807.1).